The following is an entry in ClinVar:

ClinVar aggregate classification (germline): Likely benign (1 of 4 stars; one submission).

Submission:

CeGaT Center for Human Genetics Tuebingen
Classification: Likely benign. Last evaluated: 2024-11-01. Review status: criteria provided, single submitter. Criteria: CeGaT Center For Human Genetics Tuebingen Variant Classification Criteria Version 2. Collection method: clinical testing. Allele origin: germline. Affected: yes. Observed: 1 variant allele.
Comment: UBR4: PM2:Supporting, BP4, BP7

NM_020765.3(UBR4):c.4521G>T (p.Gly1507=)

Gene: UBR4 (ubiquitin protein ligase E3 component n-recognin 4; minus strand). Cytogenetic location: 1p36.13.
Variant type: single nucleotide variant.
Coding change: c.4521G>T on transcript NM_020765.3 (MANE Select); coding-DNA position 4521, G replaced by T.
Protein change: p.Gly1507=; no amino-acid change (glycine 1507 retained).
Molecular consequence: synonymous variant.
Genome position (GRCh38, 1-based): chr1:19,164,432, C>A on the plus strand (G>T on the coding strand, the complement: UBR4 is on the minus strand). VCF-style: chr1-19164432-C-A. GRCh37 (hg19) VCF-style: chr1-19490926-C-A.
Identifiers: ClinVar variation 3389110 (VCV003389110.14).